The following is an entry in ClinVar:

ClinVar aggregate classification (germline): Uncertain significance. Review status: criteria provided, multiple submitters, no conflicts (2 of 4 stars). 3 submissions from 3 submitters: Uncertain significance (3). Last evaluated 2024-08-28.

Conditions:
Hereditary cancer-predisposing syndrome. Also called: Neoplastic Syndromes, Hereditary; Hereditary Cancer Syndrome; Tumor predisposition; Hereditary neoplastic syndrome. Identifiers: Orphanet 140162, MedGen C0027672, MeSH D009386, MONDO:0015356.
Familial adenomatous polyposis 3. Also called: NTHL1-Related Adenomatous Polyposis and Colorectal Cancer; NTHL1-related attenuated familial adenomatous polyposis; NTHL1 Tumor Syndrome; NTHL1-associated polyposis. Identifiers: Orphanet 220460, Orphanet 454840, MedGen C4225157, MONDO:0014630, OMIM 616415.

gnomAD v4.1: 3 of 1,612,204 alleles (0.00019%); highest among the groups gnomAD compares: Non-Finnish European, 0.00025%; no homozygotes.

Submissions (3):

Labcorp Genetics (formerly Invitae), Labcorp
Classification: Uncertain significance. Last evaluated: 2024-08-28. Review status: criteria provided, single submitter. Criteria: Invitae Variant Classification Sherloc (09022015). Collection method: clinical testing. Allele origin: germline.
Comment: This sequence change replaces leucine, which is neutral and non-polar, with glutamine, which is neutral and polar, at codon 274 of the NTHL1 protein (p.Leu274Gln). This variant is present in population databases (rs763770399, gnomAD 0.0009%). This variant has not been reported in the literature in individuals affected with NTHL1-related conditions. ClinVar contains an entry for this variant (Variation ID: 2624712). An algorithm developed to predict the effect of missense changes on protein structure and function (PolyPhen-2) suggests that this variant is likely to be tolerated. In summary, the available evidence is currently insufficient to determine the role of this variant in disease. Therefore, it has been classified as a Variant of Uncertain Significance.

Baylor Genetics
Classification: Uncertain significance for Familial adenomatous polyposis 3. Last evaluated: 2023-08-06. Review status: criteria provided, single submitter. Criteria: ACMG Guidelines, 2015. Collection method: clinical testing. Allele origin: unknown.

Ambry Genetics
Classification: Uncertain significance for Hereditary cancer-predisposing syndrome. Last evaluated: 2023-07-12. Review status: criteria provided, single submitter. Criteria: Ambry Variant Classification Scheme 2023. Collection method: clinical testing. Allele origin: germline.
Comment: The p.L274Q variant (also known as c.821T>A), located in coding exon 6 of the NTHL1 gene, results from a T to A substitution at nucleotide position 821. The leucine at codon 274 is replaced by glutamine, an amino acid with dissimilar properties. This amino acid position is conserved. In addition, this alteration is predicted to be deleterious by in silico analysis. Since supporting evidence is limited at this time, the clinical significance of this alteration remains unclear.

NM_002528.7(NTHL1):c.797T>A (p.Leu266Gln)

Gene: NTHL1 (nth like DNA glycosylase 1; minus strand). Cytogenetic location: 16p13.3.
Variant type: single nucleotide variant.
Coding change: c.797T>A on transcript NM_002528.7 (MANE Select); coding-DNA position 797, T replaced by A.
Protein change: p.Leu266Gln; replaces leucine 266 with glutamine.
Molecular consequence: missense variant.
Genome position (GRCh38, 1-based): chr16:2,040,042, A>T on the plus strand (T>A on the coding strand, the complement: NTHL1 is on the minus strand). VCF-style: chr16-2040042-A-T. GRCh37 (hg19) VCF-style: chr16-2090043-A-T.
Other names: c.626T>A, p.Leu209Gln (NM_001318193.2); c.467T>A, p.Leu156Gln (NM_001318194.2); short protein forms L156Q, L209Q, L266Q.
Identifiers: ClinVar variation 2624712 (VCV002624712.5), dbSNP rs763770399, ClinGen allele CA7828092.